The following is an entry in ClinVar:

NM_001384732.1(CPLANE1):c.6158T>A (p.Phe2053Tyr)

Gene: CPLANE1 (ciliogenesis and planar polarity effector complex subunit 1; minus strand). Cytogenetic location: 5p13.2.
Variant type: single nucleotide variant.
Coding change: c.6158T>A on transcript NM_001384732.1 (MANE Select); coding-DNA position 6158, T replaced by A.
Protein change: p.Phe2053Tyr; replaces phenylalanine 2053 with tyrosine.
Molecular consequence: missense variant.
Genome position (GRCh38, 1-based): chr5:37,173,768, A>T on the plus strand (T>A on the coding strand, the complement: CPLANE1 is on the minus strand). VCF-style: chr5-37173768-A-T. GRCh37 (hg19) VCF-style: chr5-37173870-A-T.
Other names: c.6158T>A, p.Phe2053Tyr (NM_023073.4); short protein forms F2053Y.
Identifiers: ClinVar variation 392966 (VCV000392966.11), dbSNP rs189493985, ClinGen allele CA3238336.

ClinVar aggregate classification (germline): Uncertain significance. Review status: criteria provided, multiple submitters, no conflicts (2 of 4 stars). 3 submissions from 3 submitters: Uncertain significance (3). Last evaluated 2024-04-30.

Conditions:
Joubert syndrome 17 (JBTS17). Identifiers: Orphanet 475, MedGen C3553264, MONDO:0013824, OMIM 614615.
Orofaciodigital syndrome type 6 (OFD6). Also called: OROFACIODIGITAL SYNDROME VI; OFDS VI; POLYDACTYLY, CLEFT LIP/PALATE OR LINGUAL LUMP, AND PSYCHOMOTOR RETARDATION; VARADI SYNDROME; VARADI-PAPP SYNDROME; Oral-facial-digital syndrome type 6. Identifiers: Orphanet 2754, MedGen C2745997, MONDO:0010176, OMIM 277170.

Allele frequency attached by ClinVar (database versions not stated): gnomAD exomes 0.00006 and 0.00007; gnomAD 0.00007; TOPMed 0.00008; ExAC 0.00010; 1000 Genomes Project 30x 0.00016; 1000 Genomes Project 0.00020.
gnomAD v4.1: 104 of 1,614,092 alleles (0.0064%); highest among the groups gnomAD compares: Middle Eastern, 0.016%; no homozygotes.

Submissions (3):

Fulgent Genetics
Classification: Uncertain significance for Orofaciodigital syndrome type 6; Joubert syndrome 17. Last evaluated: 2024-04-30. Review status: criteria provided, single submitter. Criteria: ACMG Guidelines, 2015. Collection method: clinical testing. Allele origin: germline.

Labcorp Genetics (formerly Invitae), Labcorp
Classification: Uncertain significance. Last evaluated: 2022-10-13. Review status: criteria provided, single submitter. Criteria: Invitae Variant Classification Sherloc (09022015). Collection method: clinical testing. Allele origin: germline.
Comment: This sequence change replaces phenylalanine, which is neutral and non-polar, with tyrosine, which is neutral and polar, at codon 2053 of the CPLANE1 protein (p.Phe2053Tyr). This variant is present in population databases (rs189493985, gnomAD 0.01%). This variant has not been reported in the literature in individuals affected with CPLANE1-related conditions. ClinVar contains an entry for this variant (Variation ID: 392966). Advanced modeling of protein sequence and biophysical properties (such as structural, functional, and spatial information, amino acid conservation, physicochemical variation, residue mobility, and thermodynamic stability) performed at Invitae indicates that this missense variant is not expected to disrupt CPLANE1 protein function. In summary, the available evidence is currently insufficient to determine the role of this variant in disease. Therefore, it has been classified as a Variant of Uncertain Significance.

GeneDx
Classification: Uncertain significance. Last evaluated: 2019-09-05. Review status: criteria provided, single submitter. Criteria: GeneDx Variant Classification Process June 2021. Collection method: clinical testing. Allele origin: germline. Affected: yes.
Comment: Not observed at a significant frequency in large population cohorts (Lek et al., 2016); In silico analysis, which includes protein predictors and evolutionary conservation, supports that this variant does not alter protein structure/function; Has not been previously published as pathogenic or benign to our knowledge